The following is an entry in ClinVar:

NM_003482.4(KMT2D):c.10882C>G (p.Leu3628Val)

Gene: KMT2D (lysine methyltransferase 2D; minus strand). Cytogenetic location: 12q13.12.
Variant type: single nucleotide variant.
Coding change: c.10882C>G on transcript NM_003482.4 (MANE Select); coding-DNA position 10882, C replaced by G.
Protein change: p.Leu3628Val; replaces leucine 3628 with valine.
Molecular consequence: missense variant.
Genome position (GRCh38, 1-based): chr12:49,033,823, G>C on the plus strand (C>G on the coding strand, the complement: KMT2D is on the minus strand). VCF-style: chr12-49033823-G-C. GRCh37 (hg19) VCF-style: chr12-49427606-G-C.
Other names: short protein forms L3628V.
Identifiers: ClinVar variation 373922 (VCV000373922.5), dbSNP rs773395827, ClinGen allele CA6546408.
Genomic context (GRCh38, chr12:49,033,823, plus strand): 5'-GAGGCCCCTGTGGTGGCTGCAGCCCATGGCCAGGGAGCAGCTGACCAGGGAGCTTGGTGA[G>C]CAGCCGGGGACTCTGGGAAGGGCTGAGAGCCAGCACAGCTGAGTGCTGTTGCTGTTGTTG-3'
Protein context (NP_003473.3, residues 3618-3638): ALSPSQSPRL[Leu3628Val]TKLPGQLLPG

ClinVar aggregate classification (germline): Uncertain significance (1 of 4 stars; one submission).

Allele frequency attached by ClinVar (database versions not stated): gnomAD exomes below 0.00001; ExAC 0.00001.
gnomAD v4.1: 2 of 1,583,802 alleles (0.00013%); highest among the groups gnomAD compares: East Asian, 0.0045%; no homozygotes.

Submission:

Centre for Mendelian Genomics, University Medical Centre Ljubljana
Classification: Uncertain significance. Last evaluated: 2016-01-01. Review status: criteria provided, single submitter. Criteria: ACMG Guidelines, 2015. Collection method: clinical testing. Allele origin: unknown. Affected: yes.
Comment: This variant was classified as: Uncertain significance.